The following is an entry in ClinVar:

NC_000023.10:g.(32519960_32536124)_(33229674_?)del

Gene: DMD (dystrophin; minus strand). Cytogenetic location: Xp21.1.
Variant type: Deletion.
Identifiers: ClinVar variation 2506298 (VCV002506298.1).

ClinVar aggregate classification (germline): Pathogenic (1 of 4 stars; one submission).

Conditions:
Neuromuscular disease caused by qualitative or quantitative defects of dystrophin. Also called: Qualitative or quantitative defects of dystrophin. Identifiers: Orphanet 207085, MedGen C5679787, MONDO:0016147.

Submission:

Women's Health and Genetics/Laboratory Corporation of America, LabCorp
Classification: Pathogenic for Neuromuscular disease caused by qualitative or quantitative defects of dystrophin. Last evaluated: 2023-05-30. Review status: criteria provided, single submitter. Criteria: LabCorp Variant Classification Summary - May 2015. Collection method: clinical testing. Allele origin: germline.
Comment: Variant summary: The variant identified by MLPA or other technology involves the deletion of exons 1-18 in the DMD gene, where exon 1 contains the translation initiation codon. The exact breakpoint at the 5' end of this variant is unknown and therefore this deletion might extend upstream of the assayed region of the gene. A presumed nomenclature of c.(?_-245)_(2292+1_2293-1)del has been designated for the purposes of this classification. Although exact breakpoints of this deletion are not known, it is expected to result in an absent or shortened protein product, a known mechanism of disease. The variant was absent in 16120 control chromosomes (gnomAD Structural Variants dataset). The variant, c.(?_-245)_(2292+1_2293-1)del, has been reported in the literature in several male individuals affected with Duchenne Muscular Dystrophy, as well as in female carriers (e.g., Kohli_2010, Kalman_2011, Zimowski_2014). These data indicate that the variant is likely to be associated with disease. The following publications have been ascertained in the context of this evaluation (PMID: 21150048, 21354051, 25482253). One clinical diagnostic laboratory has submitted clinical-significance assessments for this variant to ClinVar after 2014 and classified the variant as pathogenic. Based on the evidence outlined above, the variant was classified as pathogenic.

Literature cited by the submitters: PubMed 25482253; PubMed 21354051; PubMed 21150048.